The following is an entry in ClinVar:

ClinVar aggregate classification (germline): Uncertain significance. Review status: criteria provided, single submitter (1 of 4 stars). 2 submissions from 2 submitters: Uncertain significance (1). 1 of the submissions does not count toward it. Last evaluated 2025-11-03.

Conditions:
Cardiomyopathy, familial restrictive, 6. Identifiers: MedGen C5543638, MONDO:0030330, OMIM 619433.

Allele frequency attached by ClinVar (database versions not stated): gnomAD 0.00001; TOPMed 0.00001; gnomAD exomes 0.00002; ExAC 0.00002.
gnomAD v4.1: 25 of 1,614,036 alleles (0.0015%); highest among the groups gnomAD compares: African/African-American, 0.0027%; no homozygotes.

Submissions (2):

Labcorp Genetics (formerly Invitae), Labcorp
Classification: Uncertain significance. Last evaluated: 2025-11-03. Review status: criteria provided, single submitter. Criteria: Invitae Variant Classification Sherloc (09022015). Collection method: clinical testing. Allele origin: germline.
Comment: This sequence change replaces arginine, which is basic and polar, with tryptophan, which is neutral and slightly polar, at codon 182 of the KIF20A protein (p.Arg182Trp). This variant is present in population databases (rs771130761, gnomAD 0.006%). This missense change has been observed in individual(s) with clinical features of KIF20A-related conditions (PMID: 29357359). ClinVar contains an entry for this variant (Variation ID: 1179002). An algorithm developed to predict the effect of missense changes on protein structure and function (PolyPhen-2) suggests that this variant is likely to be disruptive. Experimental studies have shown that this missense change affects KIF20A function (PMID: 29357359). In summary, the available evidence is currently insufficient to determine the role of this variant in disease. Therefore, it has been classified as a Variant of Uncertain Significance.

OMIM
Classification: Pathogenic for CARDIOMYOPATHY, FAMILIAL RESTRICTIVE, 6 (1 family). Last evaluated: 2021-07-14. Review status: no assertion criteria provided. Collection method: literature only. Allele origin: germline. Not counted in ClinVar's aggregate classification.

Literature cited by the submitters: PubMed 29357359 (cited by Labcorp Genetics (formerly Invitae), Labcorp and OMIM).

NM_005733.3(KIF20A):c.544C>T (p.Arg182Trp)

Gene: KIF20A (kinesin family member 20A; plus strand). Cytogenetic location: 5q31.2.
Variant type: single nucleotide variant.
Coding change: c.544C>T on transcript NM_005733.3 (MANE Select); coding-DNA position 544, C replaced by T.
Protein change: p.Arg182Trp; replaces arginine 182 with tryptophan.
Molecular consequence: missense variant.
Genome position (GRCh38, 1-based): chr5:138,182,615, C>T. VCF-style: chr5-138182615-C-T. GRCh37 (hg19) VCF-style: chr5-137518304-C-T.
Other names: short protein forms R182W.
Identifiers: ClinVar variation 1179002 (VCV001179002.3), dbSNP rs771130761, ClinGen allele CA3426344.